The following is an entry in ClinVar:

ClinVar aggregate classification (germline): Benign. Review status: criteria provided, multiple submitters, no conflicts (2 of 4 stars). 3 submissions from 3 submitters: Benign (3). Last evaluated 2026-02-04.

Allele frequency attached by ClinVar (database versions not stated): TOPMed 0.17493; gnomAD 0.15608 and 0.16334; 1000 Genomes Project 30x 0.22392; ESP Exome Variant Server 0.14301; gnomAD exomes 0.14890 and 0.18450; ExAC 0.18212; 1000 Genomes Project 0.22883.
gnomAD v4.1: 243,434 of 1,610,902 alleles (15%); highest among the groups gnomAD compares: East Asian, 33%; 21,248 homozygotes.

Submissions (3):

Labcorp Genetics (formerly Invitae), Labcorp
Classification: Benign. Last evaluated: 2026-02-04. Review status: criteria provided, single submitter. Criteria: Invitae Variant Classification Sherloc (09022015). Collection method: clinical testing. Allele origin: germline.

Unidad de Genómica Garrahan, Hospital de Pediatría Garrahan
Classification: Benign. Last evaluated: 2024-01-24. Review status: criteria provided, single submitter. Criteria: ACMG Guidelines, 2015. Collection method: clinical testing. Allele origin: germline. Affected: no. Observed: 38 variant alleles.
Comment: This variant is classified as Benign based on local population frequency. This variant was detected in 40% of patients studied by a panel of primary immunodeficiencies. Number of patients: 38. Only high quality variants are reported.

Breakthrough Genomics
Classification: Benign. Review status: criteria provided, single submitter. Criteria: ACMG Guidelines, 2015. Collection method: not provided. Allele origin: germline. Inheritance: Autosomal recessive inheritance. Affected: yes.

NM_000629.3(IFNAR1):c.502G>C (p.Val168Leu)

Gene: IFNAR1 (interferon alpha and beta receptor subunit 1; plus strand). Cytogenetic location: 21q22.11.
Variant type: single nucleotide variant.
Coding change: c.502G>C on transcript NM_000629.3 (MANE Select); coding-DNA position 502, G replaced by C.
Protein change: p.Val168Leu; replaces valine 168 with leucine.
Molecular consequence: missense variant. On other transcripts: 5 prime UTR variant (1).
Genome position (GRCh38, 1-based): chr21:33,343,393, G>C. VCF-style: chr21-33343393-G-C. GRCh37 (hg19) VCF-style: chr21-34715699-G-C.
Other names: c.502G>C, p.Val168Leu (NM_001384498.1, NM_001384499.1, NM_001384501.1 and 1 more transcripts); c.-285G>C (NM_001384500.1); c.40G>C, p.Val14Leu (NM_001384502.1); c.295G>C, p.Val99Leu (NM_001384504.1); short protein forms V14L, V168L, V99L.
Identifiers: ClinVar variation 1170802 (VCV001170802.12), dbSNP rs2257167, ClinGen allele CA10006494.